The following is an entry in ClinVar:

NM_000077.5(CDKN2A):c.73G>A (p.Val25Ile)

Gene: CDKN2A (cyclin dependent kinase inhibitor 2A; minus strand). Cytogenetic location: 9p21.3.
Variant type: single nucleotide variant.
Coding change: c.73G>A on transcript NM_000077.5; coding-DNA position 73, G replaced by A.
Protein change: p.Val25Ile; replaces valine 25 with isoleucine.
Molecular consequence: missense variant (on NM_000077.6). On other transcripts: intron variant (2).
Genome position (GRCh38, 1-based): chr9:21,974,755, C>T on the plus strand (G>A on the coding strand, the complement: CDKN2A is on the minus strand). VCF-style: chr9-21974755-C-T. GRCh37 (hg19) VCF-style: chr9-21974754-C-T.
Other names: c.73G>A, p.Val25Ile (NM_000077.6, NM_001195132.2, NM_058197.5); c.-3-3547G>A (NM_001363763.2); c.194-3547G>A (NM_058195.4); short protein forms V25I.
Identifiers: ClinVar variation 1376284 (VCV001376284.8), dbSNP rs2131113089, ClinGen allele CA373086615.

ClinVar aggregate classification (germline): Uncertain significance (1 of 4 stars; one submission).

Conditions:
Familial melanoma. Also called: Hereditary melanoma; Hereditary cutaneous melanoma. Identifiers: Orphanet 618, MedGen C1512419, MONDO:0018961.

Allele frequency attached by ClinVar (database versions not stated): gnomAD exomes below 0.00001.
gnomAD v4.1: 1 of 1,610,714 alleles (0.000062%); highest among the groups gnomAD compares: Non-Finnish European, 0.000085%; no homozygotes.

Submission:

Labcorp Genetics (formerly Invitae), Labcorp
Classification: Uncertain significance for Familial melanoma. Last evaluated: 2025-01-02. Review status: criteria provided, single submitter. Criteria: Invitae Variant Classification Sherloc (09022015). Collection method: clinical testing. Allele origin: germline.
Comment: This sequence change replaces valine, which is neutral and non-polar, with isoleucine, which is neutral and non-polar, at codon 25 of the CDKN2A (p16INK4a) protein (p.Val25Ile). This variant is not present in population databases (gnomAD no frequency). This variant has not been reported in the literature in individuals affected with CDKN2A (p16INK4a)-related conditions. ClinVar contains an entry for this variant (Variation ID: 1376284). An algorithm developed to predict the effect of missense changes on protein structure and function (PolyPhen-2) suggests that this variant is likely to be tolerated. In summary, the available evidence is currently insufficient to determine the role of this variant in disease. Therefore, it has been classified as a Variant of Uncertain Significance.